The following is an entry in ClinVar:

NM_006567.5(FARS2):c.1054G>T (p.Val352Leu)

Gene: FARS2 (phenylalanyl-tRNA synthetase 2, mitochondrial; plus strand). Cytogenetic location: 6p25.1.
Variant type: single nucleotide variant.
Coding change: c.1054G>T on transcript NM_006567.5 (MANE Select); coding-DNA position 1054, G replaced by T.
Protein change: p.Val352Leu; replaces valine 352 with leucine.
Molecular consequence: missense variant.
Genome position (GRCh38, 1-based): chr6:5,545,329, G>T. VCF-style: chr6-5545329-G-T. GRCh37 (hg19) VCF-style: chr6-5545562-G-T.
Other names: c.1054G>T, p.Val352Leu (NM_001318872.2, NM_001374875.1, NM_001374876.1 and 4 more transcripts); c.922G>T, p.Val308Leu (NM_001375258.1); c.358G>T, p.Val120Leu (NM_001375259.1, NM_001375260.1); short protein forms V352L, V120L, V308L.
Identifiers: ClinVar variation 587663 (VCV000587663.3), dbSNP rs1360751755, ClinGen allele CA362736701.

ClinVar aggregate classification (germline): Uncertain significance. Review status: criteria provided, multiple submitters, no conflicts (2 of 4 stars). 2 submissions from 2 submitters: Uncertain significance (2). Last evaluated 2022-08-06.

Conditions:
Combined oxidative phosphorylation defect type 14. Also called: Combined oxidative phosphorylation deficiency 14. Identifiers: Orphanet 319519, MedGen C4755312, MONDO:0013986, OMIM 614946.

Allele frequency attached by ClinVar (database versions not stated): gnomAD exomes below 0.00001; gnomAD 0.00001; TOPMed 0.00002.
gnomAD v4.1: 5 of 1,613,274 alleles (0.00031%); highest among the groups gnomAD compares: African/African-American, 0.0053%; no homozygotes.

Submissions (2):

Labcorp Genetics (formerly Invitae), Labcorp
Classification: Uncertain significance for Combined oxidative phosphorylation defect type 14. Last evaluated: 2022-08-06. Review status: criteria provided, single submitter. Criteria: Invitae Variant Classification Sherloc (09022015). Collection method: clinical testing. Allele origin: germline.
Comment: This sequence change replaces valine, which is neutral and non-polar, with leucine, which is neutral and non-polar, at codon 352 of the FARS2 protein (p.Val352Leu). This variant is present in population databases (no rsID available, gnomAD 0.007%). This variant has not been reported in the literature in individuals affected with FARS2-related conditions. ClinVar contains an entry for this variant (Variation ID: 587663). Advanced modeling of protein sequence and biophysical properties (such as structural, functional, and spatial information, amino acid conservation, physicochemical variation, residue mobility, and thermodynamic stability) performed at Invitae indicates that this missense variant is not expected to disrupt FARS2 protein function. In summary, the available evidence is currently insufficient to determine the role of this variant in disease. Therefore, it has been classified as a Variant of Uncertain Significance.

Wong Mito Lab, Molecular and Human Genetics, Baylor College of Medicine
Classification: Uncertain significance for Combined oxidative phosphorylation deficiency 14. Last evaluated: 2018-06-13. Review status: criteria provided, single submitter. Criteria: ACMG Guidelines, 2015. Collection method: clinical testing. Allele origin: germline.